The following is an entry in ClinVar:

NM_006904.7(PRKDC):c.6909G>A (p.Leu2303=)

Gene: PRKDC (protein kinase, DNA-activated, catalytic subunit; minus strand). Cytogenetic location: 8q11.21.
Variant type: single nucleotide variant.
Coding change: c.6909G>A on transcript NM_006904.7 (MANE Select); coding-DNA position 6909, G replaced by A.
Protein change: p.Leu2303=; no amino-acid change (leucine 2303 retained).
Molecular consequence: synonymous variant.
Genome position (GRCh38, 1-based): chr8:47,852,769, C>T on the plus strand (G>A on the coding strand, the complement: PRKDC is on the minus strand). VCF-style: chr8-47852769-C-T. GRCh37 (hg19) VCF-style: chr8-48765330-C-T.
Other names: c.6909G>A, p.Leu2303= (NM_001081640.2).
Identifiers: ClinVar variation 1673740 (VCV001673740.12), dbSNP rs765057141, ClinGen allele CA4740224.

ClinVar aggregate classification (germline): Likely benign. Review status: criteria provided, multiple submitters, no conflicts (2 of 4 stars). 4 submissions from 4 submitters: Likely benign (4). Last evaluated 2026-07-01.

Conditions:
Severe combined immunodeficiency due to DNA-PKcs deficiency. Also called: IMMUNODEFICIENCY 26 WITH NEUROLOGIC ABNORMALITIES; Immunodeficiency 26 with or without neurologic abnormalities. Identifiers: Orphanet 317425, MedGen C4014833, MONDO:0014423, OMIM 615966.

Allele frequency attached by ClinVar (database versions not stated): gnomAD exomes 0.00007 and 0.00010; TOPMed 0.00007; gnomAD 0.00009.
gnomAD v4.1: 156 of 1,567,264 alleles (0.01%); highest among the groups gnomAD compares: Non-Finnish European, 0.013%; no homozygotes.

Submissions (4):

CeGaT Center for Human Genetics Tuebingen
Classification: Likely benign. Last evaluated: 2026-07-01. Review status: criteria provided, single submitter. Criteria: CeGaT Center For Human Genetics Tuebingen Variant Classification Criteria Version 2. Collection method: clinical testing. Allele origin: germline. Affected: yes. Observed: 1 variant allele.
Comment: PRKDC: BP4, BP7

Labcorp Genetics (formerly Invitae), Labcorp
Classification: Likely benign for Severe combined immunodeficiency due to DNA-PKcs deficiency. Last evaluated: 2026-02-02. Review status: criteria provided, single submitter. Criteria: Invitae Variant Classification Sherloc (09022015). Collection method: clinical testing. Allele origin: germline.

Blueprint Genetics
Classification: Likely benign. Last evaluated: 2024-07-08. Review status: criteria provided, single submitter. Criteria: ACMG Guidelines, 2015. Collection method: clinical testing. Allele origin: germline.

Ambry Genetics
Classification: Likely benign. Last evaluated: 2022-07-02. Review status: criteria provided, single submitter. Criteria: Ambry Variant Classification Scheme 2023. Collection method: clinical testing. Allele origin: germline.